The following is an entry in ClinVar:

ClinVar aggregate classification (germline): Uncertain significance (1 of 4 stars; one submission).

Conditions:
Progressive familial heart block type IB (PFHB1B). Identifiers: Orphanet 871, MedGen C1970298, MONDO:0011474, OMIM 604559.

Allele frequency attached by ClinVar (database versions not stated): TOPMed below 0.00001.
gnomAD v4.1: 13 of 1,613,606 alleles (0.00081%); highest among the groups gnomAD compares: Non-Finnish European, 0.0011%; no homozygotes.

Submission:

Labcorp Genetics (formerly Invitae), Labcorp
Classification: Uncertain significance for Progressive familial heart block type IB. Last evaluated: 2022-07-21. Review status: criteria provided, single submitter. Criteria: Invitae Variant Classification Sherloc (09022015). Collection method: clinical testing. Allele origin: germline.
Comment: In summary, the available evidence is currently insufficient to determine the role of this variant in disease. Therefore, it has been classified as a Variant of Uncertain Significance. Algorithms developed to predict the effect of sequence changes on RNA splicing suggest that this variant may create or strengthen a splice site. Algorithms developed to predict the effect of missense changes on protein structure and function are either unavailable or do not agree on the potential impact of this missense change (SIFT: "Deleterious"; PolyPhen-2: "Benign"; Align-GVGD: "Class C0"). This variant has not been reported in the literature in individuals affected with TRPM4-related conditions. This variant is not present in population databases (gnomAD no frequency). This sequence change replaces arginine, which is basic and polar, with tryptophan, which is neutral and slightly polar, at codon 1141 of the TRPM4 protein (p.Arg1141Trp).

NM_017636.4(TRPM4):c.3421C>T (p.Arg1141Trp)

Gene: TRPM4 (transient receptor potential cation channel subfamily M member 4; plus strand). Cytogenetic location: 19q13.33.
Variant type: single nucleotide variant.
Coding change: c.3421C>T on transcript NM_017636.4 (MANE Select); coding-DNA position 3421, C replaced by T.
Protein change: p.Arg1141Trp; replaces arginine 1141 with tryptophan.
Molecular consequence: missense variant.
Genome position (GRCh38, 1-based): chr19:49,210,802, C>T. VCF-style: chr19-49210802-C-T. GRCh37 (hg19) VCF-style: chr19-49714059-C-T.
Other names: c.2986C>T, p.Arg996Trp (NM_001195227.2); c.3076C>T, p.Arg1026Trp (NM_001321281.2); c.1813C>T, p.Arg605Trp (NM_001321282.2); c.2899C>T, p.Arg967Trp (NM_001321283.2); c.2359C>T, p.Arg787Trp (NM_001321285.2); short protein forms R967W, R787W, R1026W, R1141W, R996W, R605W.
Identifiers: ClinVar variation 2196094 (VCV002196094.4), dbSNP rs1969331451, ClinGen allele CA406773171.